The following is an entry in ClinVar:

NM_001058.4(TACR1):c.982G>A (p.Ala328Thr)

Gene: TACR1 (tachykinin receptor 1; minus strand). Cytogenetic location: 2p12.
Variant type: single nucleotide variant.
Coding change: c.982G>A on transcript NM_001058.4 (MANE Select); coding-DNA position 982, G replaced by A.
Protein change: p.Ala328Thr; replaces alanine 328 with threonine.
Molecular consequence: missense variant.
Genome position (GRCh38, 1-based): chr2:75,049,674, C>T on the plus strand (G>A on the coding strand, the complement: TACR1 is on the minus strand). VCF-style: chr2-75049674-C-T. GRCh37 (hg19) VCF-style: chr2-75276801-C-T.
Other names: short protein forms A328T.
Identifiers: ClinVar variation 4988436 (VCV004988436.1).

ClinVar aggregate classification (germline): Likely benign (1 of 4 stars; one submission).

Conditions:
TACR1-related disorder. Also called: TACR1-related condition.

gnomAD v4.1: 159 of 1,614,080 alleles (0.0099%); highest among the groups gnomAD compares: African/African-American, 0.19%; no homozygotes.

Submission:

PreventionGenetics, part of Exact Sciences
Classification: Likely benign for TACR1-related condition. Last evaluated: 2025-05-23. Review status: criteria provided, single submitter. Criteria: ACMG Guidelines, 2015. Collection method: clinical testing. Allele origin: germline.
Comment: This variant is classified as likely benign based on ACMG/AMP sequence variant interpretation guidelines (Richards et al. 2015 PMID: 25741868, with internal and published modifications).